The following is an entry in ClinVar:

NM_144508.5(KNL1):c.4980G>C (p.Lys1660Asn)

Gene: KNL1 (kinetochore scaffold 1; plus strand). Cytogenetic location: 15q15.1.
Variant type: single nucleotide variant.
Coding change: c.4980G>C on transcript NM_144508.5 (MANE Select); coding-DNA position 4980, G replaced by C.
Protein change: p.Lys1660Asn; replaces lysine 1660 with asparagine.
Molecular consequence: missense variant.
Genome position (GRCh38, 1-based): chr15:40,625,244, G>C. VCF-style: chr15-40625244-G-C. GRCh37 (hg19) VCF-style: chr15-40917442-G-C.
Other names: c.5058G>C, p.Lys1686Asn (NM_170589.5); short protein forms K1686N, K1660N.
Identifiers: ClinVar variation 1027837 (VCV001027837.1), dbSNP rs201366681, ClinGen allele CA7483262.

ClinVar aggregate classification (germline): Uncertain significance (1 of 4 stars; one submission).

Conditions:
Microcephaly 4, primary, autosomal recessive. Identifiers: Orphanet 2512, MedGen C1858516, MONDO:0011437, OMIM 604321.

Allele frequency attached by ClinVar (database versions not stated): TOPMed 0.00006; gnomAD exomes 0.00011 and 0.00020; 1000 Genomes Project 30x 0.00016; 1000 Genomes Project 0.00020; ExAC 0.00024.
gnomAD v4.1: 186 of 1,614,032 alleles (0.012%); highest among the groups gnomAD compares: South Asian, 0.06%; no homozygotes.

Submission:

Baylor Genetics
Classification: Uncertain significance for Microcephaly 4, primary, autosomal recessive. Last evaluated: 2020-09-11. Review status: criteria provided, single submitter. Criteria: ACMG Guidelines, 2015. Collection method: clinical testing. Allele origin: unknown. Affected: yes.
Comment: This variant was determined to be of uncertain significance according to ACMG Guidelines, 2015 [PMID:25741868].